The following is an entry in ClinVar:

ClinVar aggregate classification (germline): Uncertain significance. Review status: criteria provided, multiple submitters, no conflicts (2 of 4 stars). 2 submissions from 2 submitters: Uncertain significance (2). Last evaluated 2025-04-04.

Conditions:
PULMONARY ALVEOLAR MICROLITHIASIS. Identifiers: Orphanet 60025, MedGen C0155912, MONDO:0009928, OMIM 265100.

gnomAD v4.1: 134 of 1,612,282 alleles (0.0083%); highest among the groups gnomAD compares: Non-Finnish European, 0.01%; no homozygotes.

Submissions (2):

Labcorp Genetics (formerly Invitae), Labcorp
Classification: Uncertain significance. Last evaluated: 2025-04-04. Review status: criteria provided, single submitter. Criteria: Invitae Variant Classification Sherloc (09022015). Collection method: clinical testing. Allele origin: germline.
Comment: This sequence change replaces arginine, which is basic and polar, with glutamine, which is neutral and polar, at codon 179 of the SLC34A2 protein (p.Arg179Gln). This variant is present in population databases (rs760292711, gnomAD 0.006%). This variant has not been reported in the literature in individuals affected with SLC34A2-related conditions. Invitae Evidence Modeling of protein sequence and biophysical properties (such as structural, functional, and spatial information, amino acid conservation, physicochemical variation, residue mobility, and thermodynamic stability) indicates that this missense variant is not expected to disrupt SLC34A2 protein function with a negative predictive value of 80%. In summary, the available evidence is currently insufficient to determine the role of this variant in disease. Therefore, it has been classified as a Variant of Uncertain Significance.

Department of Pathology and Laboratory Medicine, Sinai Health System
Classification: Uncertain significance for PULMONARY ALVEOLAR MICROLITHIASIS. Last evaluated: 2022-11-03. Review status: criteria provided, single submitter. Criteria: ACMG Guidelines, 2015. Collection method: research. Allele origin: germline.

NM_006424.3(SLC34A2):c.536G>A (p.Arg179Gln)

Gene: SLC34A2 (solute carrier family 34 member 2; plus strand). Cytogenetic location: 4p15.2.
Variant type: single nucleotide variant.
Coding change: c.536G>A on transcript NM_006424.3 (MANE Select); coding-DNA position 536, G replaced by A.
Protein change: p.Arg179Gln; replaces arginine 179 with glutamine.
Molecular consequence: missense variant.
Genome position (GRCh38, 1-based): chr4:25,667,892, G>A. VCF-style: chr4-25667892-G-A. GRCh37 (hg19) VCF-style: chr4-25669514-G-A.
Other names: c.533G>A, p.Arg178Gln (NM_001177998.2, NM_001177999.2); short protein forms R178Q, R179Q.
Identifiers: ClinVar variation 3892475 (VCV003892475.2).